The following is an entry in ClinVar:

ClinVar aggregate classification (germline): Uncertain significance. Review status: criteria provided, multiple submitters, no conflicts (2 of 4 stars). 3 submissions from 3 submitters: Uncertain significance (2). 1 of the submissions does not count toward it. Last evaluated 2018-01-13.

Conditions:
VPS13A-related neurodegenerative disease. Also called: LEVINE-CRITCHLEY SYNDROME; Choreoacanthocytosis; VPS13A Disease; Chorea-acanthocytosis; ACANTHOCYTOSIS WITH NEUROLOGIC DISORDER; Choreaacanthocytosis. Identifiers: Orphanet 2388, MedGen C0393576, MONDO:0008695, OMIM 200150.

Allele frequency attached by ClinVar (database versions not stated): gnomAD exomes below 0.00001 and 0.00001; gnomAD 0.00001.
gnomAD v4.1: 12 of 1,603,694 alleles (0.00075%); highest among the groups gnomAD compares: South Asian, 0.011%; 1 homozygote.

Submissions (3):

Illumina Laboratory Services, Illumina
Classification: Uncertain significance for VPS13A-related neurodegenerative disease. Last evaluated: 2018-01-13. Review status: criteria provided, single submitter. Criteria: ICSL Variant Classification Criteria 13 December 2019. Collection method: clinical testing. Allele origin: germline.

GeneDx
Classification: Uncertain significance. Last evaluated: 2017-10-06. Review status: criteria provided, single submitter. Criteria: GeneDx Variant Classification (06012015). Collection method: clinical testing. Allele origin: germline. Affected: yes.
Comment: The I1049T variant in the VPS13A gene has not been reported previously as a pathogenic variant, nor as a benign variant, to our knowledge. The I1049T variant is not observed at a significant frequency in large population cohorts (Lek et al., 2016). The I1049T variant is a non-conservative amino acid substitution, which is likely to impact secondary protein structure as these residues differ in polarity, charge, size and/or other properties. This substitution occurs at a position that is not conserved. In silico analysis is inconsistent in its predictions as to whether or not the variant is damaging to the protein structure/function. We interpret I1049T as a variant of uncertain significance.

Natera, Inc.
Classification: Uncertain significance for Choreaacanthocytosis. Last evaluated: 2020-01-24. Review status: no assertion criteria provided. Collection method: clinical testing. Allele origin: germline. Not counted in ClinVar's aggregate classification.

NM_033305.3(VPS13A):c.3146T>C (p.Ile1049Thr)

Gene: VPS13A (vacuolar protein sorting 13 homolog A; plus strand). Cytogenetic location: 9q21.2.
Variant type: single nucleotide variant.
Coding change: c.3146T>C on transcript NM_033305.3 (MANE Select); coding-DNA position 3146, T replaced by C.
Protein change: p.Ile1049Thr; replaces isoleucine 1049 with threonine.
Molecular consequence: missense variant. On other transcripts: intron variant (1).
Genome position (GRCh38, 1-based): chr9:77,283,382, T>C. VCF-style: chr9-77283382-T-C. GRCh37 (hg19) VCF-style: chr9-79898298-T-C.
Other names: c.3146T>C, p.Ile1049Thr (NM_001018038.3, NM_015186.4); c.3119-165T>C (NM_001018037.2); short protein forms I1049T.
Identifiers: ClinVar variation 452484 (VCV000452484.8), dbSNP rs1437731472, ClinGen allele CA373846694.